The following is an entry in ClinVar:

NM_006892.4(DNMT3B):c.1906-5_1906-4del

Gene: DNMT3B (DNA methyltransferase 3 beta; plus strand). Cytogenetic location: 20q11.21.
Variant type: Deletion.
Coding change: c.1906-5_1906-4del on transcript NM_006892.4 (MANE Select); 5 bases into the intron before coding-DNA position 1906 through 4 bases into the intron before coding-DNA position 1906, 2 bases deleted (TT; older notation c.1906-5_1906-4delTT).
Molecular consequence: intron variant.
Genome position (GRCh38, 1-based): chr20:32,800,830-32,800,831, TT deleted; deleting any 2 consecutive bases within chr20:32,800,829-32,800,831 gives the same sequence; the c. name uses the placement nearest the transcript's 3' end. VCF-style (leftmost placement, unchanged base first): chr20-32800828-CTT-C. GRCh37 (hg19) VCF-style: chr20-31388634-CTT-C.
Other names: c.1906-5_1906-4del (NM_001424351.1, NM_001424355.1); c.1846-5_1846-4del (NM_175848.2, NM_001424353.1, NM_175849.2); c.1780-5_1780-4del (NM_001424352.1, NM_001424356.1, NM_001424358.1); c.1720-5_1720-4del (NM_001424354.1, NM_001424357.1, NM_001207055.2); c.1618-5_1618-4del (NM_001207056.2); c.1882-5_1882-4del (NM_175850.3, NM_001424359.1); c.1756-5_1756-4del (NM_001424360.1).
Identifiers: ClinVar variation 3034082 (VCV003034082.2), dbSNP rs371416202, ClinGen allele CA313155361.
Genomic context (GRCh38, chr20:32,800,828, plus strand): 5'-TAGAAGTGGGTCCAGCTCTCTTTCCCTCTGTCCACACCCTCATCCTGACTCTGTCTCTCT[CTT>C]TCAGATTGAAGAATGGGGCCCATTTGACTTGGTGATTGGCGGAAGCCCATGCAACGATCT-3'

ClinVar aggregate classification (germline): Likely benign (0 of 4 stars; one submission).

Conditions:
DNMT3B-related disorder. Also called: DNMT3B-related condition.

Submission:

PreventionGenetics, part of Exact Sciences
Classification: Likely benign for DNMT3B-related condition. Last evaluated: 2019-06-17. Review status: no assertion criteria provided. Collection method: clinical testing. Allele origin: germline.
Comment: This variant is classified as likely benign based on ACMG/AMP sequence variant interpretation guidelines (Richards et al. 2015 PMID: 25741868, with internal and published modifications).